The following is an entry in ClinVar:

NM_000051.4(ATM):c.5496+645T>G

Gene: ATM (ATM serine/threonine kinase; plus strand). Cytogenetic location: 11q22.3.
Variant type: single nucleotide variant.
Coding change: c.5496+645T>G on transcript NM_000051.4 (MANE Select); 645 bases into the intron after coding-DNA position 5496, T replaced by G.
Molecular consequence: intron variant.
Genome position (GRCh38, 1-based): chr11:108,303,674, T>G. VCF-style: chr11-108303674-T-G. GRCh37 (hg19) VCF-style: chr11-108174401-T-G.
Other names: c.5496+645T>G (NM_001351834.2).
Identifiers: ClinVar variation 1747874 (VCV001747874.10), dbSNP rs536571390, ClinGen allele CA671414232.

ClinVar aggregate classification (germline): Pathogenic/Likely pathogenic. Review status: criteria provided, multiple submitters, no conflicts (2 of 4 stars). 2 submissions from 2 submitters: Pathogenic (1); Likely pathogenic (1). Last evaluated 2025-12-27.

Conditions:
Ataxia-telangiectasia syndrome (AT). Also called: LOUIS-BAR SYNDROME; Cerebello-oculocutaneous telangiectasia; Immunodeficiency with ataxia telangiectasia; Ataxia-telangiectasia, complementation group D; AT, COMPLEMENTATION GROUP C; ATAXIA-TELANGIECTASIA, COMPLEMENTATION GROUP A. Identifiers: Orphanet 100, MedGen C0004135, MONDO:0008840, OMIM 208900.
Hereditary cancer-predisposing syndrome. Also called: Neoplastic Syndromes, Hereditary; Tumor predisposition; Hereditary Cancer Syndrome; Hereditary neoplastic syndrome. Identifiers: Orphanet 140162, MedGen C0027672, MeSH D009386, MONDO:0015356.

gnomAD v4.1: 3 of 152,168 alleles (0.002%); highest among the groups gnomAD compares: Non-Finnish European, 0.0044%; no homozygotes.

Submissions (2):

Labcorp Genetics (formerly Invitae), Labcorp
Classification: Pathogenic for Ataxia-telangiectasia syndrome. Last evaluated: 2025-12-27. Review status: criteria provided, single submitter. Criteria: Invitae Variant Classification Sherloc (09022015). Collection method: clinical testing. Allele origin: germline.
Comment: This sequence change falls in intron 36 of the ATM gene. It does not directly change the encoded amino acid sequence of the ATM protein. RNA analysis indicates that this variant induces altered splicing and may result in an absent or altered protein product. This variant is not present in population databases (gnomAD no frequency). This variant has not been reported in the literature in individuals affected with ATM-related conditions. ClinVar contains an entry for this variant (Variation ID: 1747874). Studies have shown that this variant results in activation of a cryptic splice site , and produces a non-functional protein and/or introduces a premature termination codon (internal data). For these reasons, this variant has been classified as Pathogenic.

Ambry Genetics
Classification: Likely pathogenic for Hereditary cancer-predisposing syndrome. Last evaluated: 2025-09-24. Review status: criteria provided, single submitter. Criteria: Ambry Variant Classification Scheme 2023. Collection method: clinical testing. Allele origin: germline.
Comment: The c.5496+645T>G intronic variant results from a T to G substitution 645 nucleotides after coding exon 35 in the ATM gene. This nucleotide position is well conserved in available vertebrate species. In silico splice site analysis predicts that this alteration will result in the creation or strengthening of a novel splice donor site. RNA studies have demonstrated that this alteration results in abnormal splicing in the set of samples tested (Ambry internal data). This variant is considered to be rare based on population cohorts in the Genome Aggregation Database (gnomAD). Based on the majority of available evidence to date, this variant is likely to be pathogenic.